The following is an entry in ClinVar:

ClinVar aggregate classification (germline): Uncertain significance. Review status: criteria provided, multiple submitters, no conflicts (2 of 4 stars). 2 submissions from 2 submitters: Uncertain significance (2). Last evaluated 2023-06-15.

Conditions:
Developmental and epileptic encephalopathy, 12 (DEE12). Identifiers: MedGen C3150988, MONDO:0013389, OMIM 613722.

Allele frequency attached by ClinVar (database versions not stated): gnomAD 0.00001 and 0.00002; gnomAD exomes 0.00001 and 0.00002; ExAC 0.00002; TOPMed 0.00002; 1000 Genomes Project 0.00020; 1000 Genomes Project 30x 0.00031.
gnomAD v4.1: 14 of 1,613,246 alleles (0.00087%); highest among the groups gnomAD compares: Admixed American, 0.0067%; no homozygotes.

Submissions (2):

GeneDx
Classification: Uncertain significance. Last evaluated: 2023-06-15. Review status: criteria provided, single submitter. Criteria: GeneDx Variant Classification Process June 2021. Collection method: clinical testing. Allele origin: germline. Affected: yes.
Comment: Not observed at significant frequency in large population cohorts (gnomAD); In silico analysis supports that this missense variant does not alter protein structure/function; Has not been previously published as pathogenic or benign to our knowledge; This variant is associated with the following publications: (PMID: 25123191)

Labcorp Genetics (formerly Invitae), Labcorp
Classification: Uncertain significance for Developmental and epileptic encephalopathy, 12. Last evaluated: 2022-07-25. Review status: criteria provided, single submitter. Criteria: Invitae Variant Classification Sherloc (09022015). Collection method: clinical testing. Allele origin: germline.
Comment: This sequence change replaces isoleucine, which is neutral and non-polar, with valine, which is neutral and non-polar, at codon 407 of the PLCB1 protein (p.Ile407Val). This variant is present in population databases (rs546265226, gnomAD 0.007%). This variant has not been reported in the literature in individuals affected with PLCB1-related conditions. ClinVar contains an entry for this variant (Variation ID: 852900). Algorithms developed to predict the effect of missense changes on protein structure and function (SIFT, PolyPhen-2, Align-GVGD) all suggest that this variant is likely to be tolerated. Algorithms developed to predict the effect of sequence changes on RNA splicing suggest that this variant may create or strengthen a splice site. In summary, the available evidence is currently insufficient to determine the role of this variant in disease. Therefore, it has been classified as a Variant of Uncertain Significance.

NM_015192.4(PLCB1):c.1219A>G (p.Ile407Val)

Gene: PLCB1 (phospholipase C beta 1; plus strand). Cytogenetic location: 20p12.3.
Variant type: single nucleotide variant.
Coding change: c.1219A>G on transcript NM_015192.4 (MANE Select); coding-DNA position 1219, A replaced by G.
Protein change: p.Ile407Val; replaces isoleucine 407 with valine.
Molecular consequence: missense variant.
Genome position (GRCh38, 1-based): chr20:8,708,721, A>G. VCF-style: chr20-8708721-A-G. GRCh37 (hg19) VCF-style: chr20-8689368-A-G.
Other names: c.1219A>G (NM_015192.2); c.1219A>G, p.Ile407Val (NM_182734.3); short protein forms I407V.
Identifiers: ClinVar variation 852900 (VCV000852900.8), dbSNP rs546265226, ClinGen allele CA9759902.